The following is an entry in ClinVar:

NM_018406.7(MUC4):c.10497A>C (p.Thr3499=)

Gene: MUC4 (mucin 4, cell surface associated). Cytogenetic location: 3q29.
Variant type: single nucleotide variant.
Coding change: c.10497A>C on transcript NM_018406.7 (MANE Select); coding-DNA position 10497, A replaced by C.
Protein change: p.Thr3499=; no amino-acid change (threonine 3499 retained).
Molecular consequence: synonymous variant. On other transcripts: intron variant (2).
Genome position (GRCh38, 1-based): chr3:195,781,083, T>G on the plus strand (A>C on the coding strand, the complement: MUC4 is on the minus strand). VCF-style: chr3-195781083-T-G. GRCh37 (hg19) VCF-style: chr3-195507954-T-G.
Other names: c.83-6778A>C (NM_138297.5); c.83-2628A>C (NM_004532.6).
Identifiers: ClinVar variation 4533987 (VCV004533987.6).

ClinVar aggregate classification (germline): Likely benign (1 of 4 stars; one submission).

Submission:

CeGaT Center for Human Genetics Tuebingen
Classification: Likely benign. Last evaluated: 2025-10-01. Review status: criteria provided, single submitter. Criteria: CeGaT Center For Human Genetics Tuebingen Variant Classification Criteria Version 2. Collection method: clinical testing. Allele origin: germline. Affected: yes. Observed: 1 variant allele.
Comment: MUC4: BP4, BP7